The following is an entry in ClinVar:

ClinVar aggregate classification (germline): Uncertain significance (1 of 4 stars; one submission).

Conditions:
Landau-Kleffner syndrome (FESD). Also called: EPILEPSY, FOCAL, WITH SPEECH DISORDER AND WITH OR WITHOUT MENTAL RETARDATION; APHASIA, ACQUIRED, WITH EPILEPSY. Identifiers: Orphanet 1945, Orphanet 725, Orphanet 98818, MedGen C0282512, MONDO:0009509, OMIM 245570.

Submission:

Labcorp Genetics (formerly Invitae), Labcorp
Classification: Uncertain significance for Landau-Kleffner syndrome. Last evaluated: 2024-08-18. Review status: criteria provided, single submitter. Criteria: Invitae Variant Classification Sherloc (09022015). Collection method: clinical testing. Allele origin: germline.
Comment: This sequence change replaces phenylalanine, which is neutral and non-polar, with leucine, which is neutral and non-polar, at codon 782 of the GRIN2A protein (p.Phe782Leu). This variant is not present in population databases (gnomAD no frequency). This variant has not been reported in the literature in individuals affected with GRIN2A-related conditions. Invitae Evidence Modeling of protein sequence and biophysical properties (such as structural, functional, and spatial information, amino acid conservation, physicochemical variation, residue mobility, and thermodynamic stability) indicates that this missense variant is not expected to disrupt GRIN2A protein function with a negative predictive value of 95%. Algorithms developed to predict the effect of sequence changes on RNA splicing suggest that this variant may create or strengthen a splice site. In summary, the available evidence is currently insufficient to determine the role of this variant in disease. Therefore, it has been classified as a Variant of Uncertain Significance.

NM_001134407.3(GRIN2A):c.2346T>G (p.Phe782Leu)

Gene: GRIN2A (glutamate ionotropic receptor NMDA type subunit 2A; minus strand). Cytogenetic location: 16p13.2.
Variant type: single nucleotide variant.
Coding change: c.2346T>G on transcript NM_001134407.3 (MANE Select); coding-DNA position 2346, T replaced by G.
Protein change: p.Phe782Leu; replaces phenylalanine 782 with leucine.
Molecular consequence: missense variant.
Genome position (GRCh38, 1-based): chr16:9,798,287, A>C on the plus strand (T>G on the coding strand, the complement: GRIN2A is on the minus strand). VCF-style: chr16-9798287-A-C. GRCh37 (hg19) VCF-style: chr16-9892144-A-C.
Other names: c.2346T>G, p.Phe782Leu (NM_000833.5, NM_001134408.2); short protein forms F782L.
Identifiers: ClinVar variation 3662746 (VCV003662746.2).
Genomic context (GRCh38, chr16:9,798,287, plus strand): 5'-GTGTGAGGGTCTCAAGTCCCCCTAAAGAAAGGGGTCACCCGGGGTCTTACCATCACCCAC[A>C]AACTGAAGCAAGGCCAGGTCGATCTGCCTCTTCCAAGGAGAGCCTTTCTGAAGGGCAATT-3'
Protein context (NP_001127879.1, residues 772-792): KRQIDLALLQ[Phe782Leu]VGDGEMEELE